The following is an entry in ClinVar:

ClinVar aggregate classification (germline): Uncertain significance (1 of 4 stars; one submission).

gnomAD v4.1: 12 of 1,612,778 alleles (0.00074%); highest among the groups gnomAD compares: Middle Eastern, 0.18%; no homozygotes.

Submission:

Mayo Clinic Laboratories, Mayo Clinic
Classification: Uncertain significance. Last evaluated: 2024-02-15. Review status: criteria provided, single submitter. Criteria: ACMG Guidelines, 2015. Collection method: clinical testing. Allele origin: germline. Observed: 1 variant allele.
Comment: BP4, PM2

NM_000158.4(GBE1):c.2059A>G (p.Ile687Val)

Gene: GBE1 (1,4-alpha-glucan branching enzyme 1; minus strand). Cytogenetic location: 3p12.2.
Variant type: single nucleotide variant.
Coding change: c.2059A>G on transcript NM_000158.4 (MANE Select); coding-DNA position 2059, A replaced by G.
Protein change: p.Ile687Val; replaces isoleucine 687 with valine.
Molecular consequence: missense variant.
Genome position (GRCh38, 1-based): chr3:81,490,457, T>C on the plus strand (A>G on the coding strand, the complement: GBE1 is on the minus strand). VCF-style: chr3-81490457-T-C. GRCh37 (hg19) VCF-style: chr3-81539608-T-C.
Other names: p.Ile687Val; short protein forms I687V.
Identifiers: ClinVar variation 3379476 (VCV003379476.1).